The following is an entry in ClinVar:

NM_004100.5(EYA4):c.781A>G (p.Thr261Ala)

Gene: EYA4 (EYA transcriptional coactivator and phosphatase 4; plus strand). Cytogenetic location: 6q23.2.
Variant type: single nucleotide variant.
Coding change: c.781A>G on transcript NM_004100.5 (MANE Select); coding-DNA position 781, A replaced by G.
Protein change: p.Thr261Ala; replaces threonine 261 with alanine.
Molecular consequence: missense variant.
Genome position (GRCh38, 1-based): chr6:133,464,835, A>G. VCF-style: chr6-133464835-A-G. GRCh37 (hg19) VCF-style: chr6-133785973-A-G.
Other names: c.619A>G, p.Thr207Ala (NM_001301012.2, NM_001370459.1); c.781A>G, p.Thr261Ala (NM_001301013.2, NM_172105.4); c.712A>G, p.Thr238Ala (NM_001370458.1, NM_172103.4); short protein forms T261A, T238A, T207A.
Identifiers: ClinVar variation 1760757 (VCV001760757.5), dbSNP rs747337768, ClinGen allele CA4008146.
Genomic context (GRCh38, chr6:133,464,835, plus strand): 5'-CTAGGTTCTAGTTTTGCACCATCATCTACTATTTATGCAAATAATTCAGTTTCCAATTCA[A>G]CGAATTTCAGTGGTTCACAACAGGTATAGTAGCTTTTTGTGTTTATGCTTTTTATATGTA-3'
Protein context (NP_004091.3, residues 251-271): IYANNSVSNS[Thr261Ala]NFSGSQQDYP

ClinVar aggregate classification (germline): Uncertain significance. Review status: criteria provided, multiple submitters, no conflicts (2 of 4 stars). 2 submissions from 2 submitters: Uncertain significance (2). Last evaluated 2023-05-01.

Conditions:
Cardiovascular phenotype. Identifiers: MedGen CN230736.
Dilated cardiomyopathy 1J (CMD1J). Also called: CARDIOMYOPATHY, DILATED, WITH SENSORINEURAL HEARING LOSS, AUTOSOMAL DOMINANT. Identifiers: Orphanet 217622, MedGen C1854368, MONDO:0011541, OMIM 605362.

Allele frequency attached by ClinVar (database versions not stated): gnomAD exomes below 0.00001; ExAC 0.00001.
gnomAD v4.1: 1 of 1,610,944 alleles (0.000062%); highest among the groups gnomAD compares: South Asian, 0.0011%; no homozygotes.

Submissions (2):

Labcorp Genetics (formerly Invitae), Labcorp
Classification: Uncertain significance for Dilated cardiomyopathy 1J. Last evaluated: 2023-05-01. Review status: criteria provided, single submitter. Criteria: Invitae Variant Classification Sherloc (09022015). Collection method: clinical testing. Allele origin: germline.
Comment: In summary, the available evidence is currently insufficient to determine the role of this variant in disease. Therefore, it has been classified as a Variant of Uncertain Significance. Advanced modeling of protein sequence and biophysical properties (such as structural, functional, and spatial information, amino acid conservation, physicochemical variation, residue mobility, and thermodynamic stability) performed at Invitae indicates that this missense variant is not expected to disrupt EYA4 protein function. ClinVar contains an entry for this variant (Variation ID: 1760757). This variant has not been reported in the literature in individuals affected with EYA4-related conditions. This variant is present in population databases (rs747337768, gnomAD 0.003%). This sequence change replaces threonine, which is neutral and polar, with alanine, which is neutral and non-polar, at codon 261 of the EYA4 protein (p.Thr261Ala).

Ambry Genetics
Classification: Uncertain significance for Cardiovascular phenotype. Last evaluated: 2021-10-11. Review status: criteria provided, single submitter. Criteria: Ambry Variant Classification Scheme 2023. Collection method: clinical testing. Allele origin: germline.
Comment: The p.T261A variant (also known as c.781A>G), located in coding exon 9 of the EYA4 gene, results from an A to G substitution at nucleotide position 781. The threonine at codon 261 is replaced by alanine, an amino acid with similar properties. This amino acid position is conserved. In addition, the in silico prediction for this alteration is inconclusive. Since supporting evidence is limited at this time, the clinical significance of this alteration remains unclear.